The following is an entry in ClinVar:

NM_001042492.3(NF1):c.195_196insGGGGGAGGAGCCAAGATGGCCGAATAGGAACAGCTCCGGTCTACAGCTCCCAGCGTGAGCGACGCAGAAGACNNNNNNNNNNAAAAAAAAAAAAAAAAAAAAAAAGAATGTT (p.Asn66delinsGlyGlyGlyAlaLysMetAlaGluTer)

Gene: NF1 (neurofibromin 1; plus strand). Cytogenetic location: 17q11.2.
Variant type: Insertion.
Coding change: c.195_196insGGGGGAGGAGCCAAGATGGCCGAATAGGAACAGCTCCGGTCTACAGCTCCCAGCGTGAGCGACGCAGAAGACNNNNNNNNNNAAAAAAAAAAAAAAAAAAAAAAAGAATGTT on transcript NM_001042492.3 (MANE Select); coding-DNA positions 195 to 196, GGGGGAGGAGCCAAGATGGCCGAATAGGAACAGCTCCGGTCTACAGCTCCCAGCGTGAGCGACGCAGAAGACNNNNNNNNNNAAAAAAAAAAAAAAAAAAAAAAAGAATGTT inserted.
Protein change: p.Asn66delinsGlyGlyGlyAlaLysMetAlaGluTer.
Molecular consequence: nonsense. On other transcripts: frameshift variant (1).
Genome position: GRCh38: chr17:31,156,117-31,156,118. GRCh37 (hg19): chr17:29,483,135-29,483,136.
Other names: c.195_196insGGGGGAGGAGCCAAGATGGCCGAATAGGAACAGCTCCGGTCTACAGCTCCCAGCGTGAGCGACGCAGAAGACNNNNNNNNNNAAAAAAAAAAAAAAAAAAAAAAAGAATGTT, p.Asn66delinsGlyGlyGlyAlaLysMetAlaGluTer (NM_001128147.3); c.195_196insGGGGGAGGAGCCAAGATGGCCGAATAGGAACAGCTCCGGTCTACAGCTCCCAGCGTGAGCGACGCAGAAGACNNNNNNNNNNAAAAAAAAAAAAAAAAAAAAAAAGAATGTT, p.Asn66Glyfs (NM_000267.4).
Identifiers: ClinVar variation 2809169 (VCV002809169.3), dbSNP rs2544681743.

ClinVar aggregate classification (germline): Pathogenic (1 of 4 stars; one submission).

Conditions:
Neurofibromatosis, type 1 (NF1). Also called: NEUROFIBROMATOSIS, TYPE I, SOMATIC; Peripheral type neurofibromatosis; VON RECKLINGHAUSEN DISEASE; Neurofibromatosis, type I. Identifiers: Orphanet 636, MedGen C0027831, MONDO:0018975, OMIM 162200. Disease mechanism: loss of function.

Submission:

Labcorp Genetics (formerly Invitae), Labcorp
Classification: Pathogenic for Neurofibromatosis, type 1. Last evaluated: 2022-10-20. Review status: criteria provided, single submitter. Criteria: Invitae Variant Classification Sherloc (09022015). Collection method: clinical testing. Allele origin: germline.
Comment: For these reasons, this variant has been classified as Pathogenic. This sequence change inserts a large fragment of DNA, likely a transposable element, in exon 2 of the NF1 gene (c.195_196ins?), causing a frameshift at codon 66 (p.Asn66fs). The exact size and sequence of the insertion cannot be determined by the current assay. However, the insertion is expected to result in an absent or disrupted protein product. This variant is not present in population databases (gnomAD no frequency). This variant has not been reported in the literature in individuals affected with NF1-related conditions. Retrotransposon insertions including LINE1 (L1), Alu, and SVA (SINE-VNTR-Alu) have been reported to be disease-causing through disruption of either a coding region or splice site (PMID: 19763152, 20307669, 22406018) and loss-of-function variants in NF1 are known to be pathogenic (PMID: 10712197, 23913538).

Literature cited by the submitters: PubMed 19763152; PubMed 20307669; PubMed 22406018; PubMed 10712197; PubMed 23913538.